The following is an entry in ClinVar:

ClinVar aggregate classification (germline): Uncertain significance (1 of 4 stars; one submission).

Conditions:
DICER1-related tumor predisposition. Also called: DICER1 syndrome; DICER1-related pleuropulmonary blastoma cancer predisposition syndrome. Identifiers: Orphanet 284343, MedGen C3839822, MONDO:0100216.

Submission:

Labcorp Genetics (formerly Invitae), Labcorp
Classification: Uncertain significance for DICER1-related tumor predisposition. Last evaluated: 2022-04-22. Review status: criteria provided, single submitter. Criteria: Invitae Variant Classification Sherloc (09022015). Collection method: clinical testing. Allele origin: germline.
Comment: This sequence change replaces glutamic acid, which is acidic and polar, with glutamine, which is neutral and polar, at codon 176 of the DICER1 protein (p.Glu176Gln). This variant is not present in population databases (gnomAD no frequency). This variant has not been reported in the literature in individuals affected with DICER1-related conditions. Algorithms developed to predict the effect of missense changes on protein structure and function are either unavailable or do not agree on the potential impact of this missense change (SIFT: "Deleterious"; PolyPhen-2: "Benign"; Align-GVGD: "Class C0"). In summary, the available evidence is currently insufficient to determine the role of this variant in disease. Therefore, it has been classified as a Variant of Uncertain Significance.

NM_177438.3(DICER1):c.526G>C (p.Glu176Gln)

Gene: DICER1 (dicer 1, ribonuclease III; minus strand). Cytogenetic location: 14q32.13.
Variant type: single nucleotide variant.
Coding change: c.526G>C on transcript NM_177438.3 (MANE Select); coding-DNA position 526, G replaced by C.
Protein change: p.Glu176Gln; replaces glutamic acid 176 with glutamine.
Molecular consequence: missense variant. On other transcripts: 5 prime UTR variant (1), non-coding transcript variant (6), intron variant (1).
Genome position (GRCh38, 1-based): chr14:95,130,105, C>G on the plus strand (G>C on the coding strand, the complement: DICER1 is on the minus strand). VCF-style: chr14-95130105-C-G. GRCh37 (hg19) VCF-style: chr14-95596442-C-G.
Other names: c.526G>C, p.Glu176Gln (NM_001195573.1, NM_001271282.3, NM_001291628.2 and 15 more transcripts); c.244G>C, p.Glu82Gln (NM_001395686.1); c.121G>C, p.Glu41Gln (NM_001395687.1, NM_001395688.1, NM_001395689.1 and 3 more transcripts); c.-1043G>C (NM_001395697.1); c.-20-22G>C (NM_001395691.1); short protein forms E176Q, E82Q, E41Q.
Identifiers: ClinVar variation 2129178 (VCV002129178.4), dbSNP rs1177718322, ClinGen allele CA390888428.